The following is an entry in ClinVar:

ClinVar aggregate classification (germline): Uncertain significance. Review status: criteria provided, multiple submitters, no conflicts (2 of 4 stars). 3 submissions from 3 submitters: Uncertain significance (3). Last evaluated 2025-11-18.

Conditions:
Hereditary cancer-predisposing syndrome. Also called: Hereditary neoplastic syndrome; Tumor predisposition; Hereditary Cancer Syndrome; Neoplastic Syndromes, Hereditary. Identifiers: Orphanet 140162, MedGen C0027672, MeSH D009386, MONDO:0015356.
Gastrointestinal stromal tumor. Also called: Gastrointestinal stroma tumor; Gastrointestinal stromal tumor, somatic. Identifiers: Orphanet 44890, MedGen C0238198, MeSH D046152, MONDO:0011719, OMIM 606764, HP:0100723.
Pheochromocytoma/paraganglioma syndrome 4. Also called: CAROTID BODY TUMORS AND MULTIPLE EXTRAADRENAL PHEOCHROMOCYTOMAS; SDHB-Related Hereditary Paraganglioma-Pheochromocytoma Syndrome; PARAGANGLIOMA, FAMILIAL MALIGNANT; PARAGANGLIOMAS, HEREDITARY EXTRAADRENAL; PHEOCHROMOCYTOMA, FAMILIAL EXTRAADRENAL; Paragangliomas 4. Identifiers: Orphanet 29072, MedGen C1861848, MONDO:0007273, OMIM 115310.
Pheochromocytoma. Also called: MAX-Related Hereditary Paraganglioma-Pheochromocytoma Syndrome. Identifiers: Orphanet 29072, MedGen C0031511, MONDO:0008233, OMIM 171300, HP:0002666.

Submissions (3):

Labcorp Genetics (formerly Invitae), Labcorp
Classification: Uncertain significance for Gastrointestinal stromal tumor; Pheochromocytoma/paraganglioma syndrome 4; Pheochromocytoma. Last evaluated: 2025-11-18. Review status: criteria provided, single submitter. Criteria: Invitae Variant Classification Sherloc (09022015). Collection method: clinical testing. Allele origin: germline.
Comment: This sequence change replaces phenylalanine, which is neutral and non-polar, with leucine, which is neutral and non-polar, at codon 42 of the SDHB protein (p.Phe42Leu). This variant is not present in population databases (gnomAD no frequency). This variant has not been reported in the literature in individuals affected with SDHB-related conditions. ClinVar contains an entry for this variant (Variation ID: 1495656). Invitae Evidence Modeling of protein sequence and biophysical properties (such as structural, functional, and spatial information, amino acid conservation, physicochemical variation, residue mobility, and thermodynamic stability) indicates that this missense variant is not expected to disrupt SDHB protein function with a negative predictive value of 80%. In summary, the available evidence is currently insufficient to determine the role of this variant in disease. Therefore, it has been classified as a Variant of Uncertain Significance.

GeneDx
Classification: Uncertain significance. Last evaluated: 2023-06-29. Review status: criteria provided, single submitter. Criteria: GeneDx Variant Classification Process June 2021. Collection method: clinical testing. Allele origin: germline. Affected: yes.
Comment: Not observed at significant frequency in large population cohorts (gnomAD); In silico analysis supports that this missense variant has a deleterious effect on protein structure/function; Has not been previously published as pathogenic or benign to our knowledge; Also known as p.F14L

Ambry Genetics
Classification: Uncertain significance for Hereditary cancer-predisposing syndrome. Last evaluated: 2023-04-06. Review status: criteria provided, single submitter. Criteria: Ambry Variant Classification Scheme 2023. Collection method: clinical testing. Allele origin: germline.
Comment: The p.F42L variant (also known as c.126T>G), located in coding exon 2 of the SDHB gene, results from a T to G substitution at nucleotide position 126. The phenylalanine at codon 42 is replaced by leucine, an amino acid with highly similar properties. This amino acid position is highly conserved in available vertebrate species. In addition, this alteration is predicted to be deleterious by in silico analysis. Since supporting evidence is limited at this time, the clinical significance of this alteration remains unclear.

NM_003000.3(SDHB):c.126T>G (p.Phe42Leu)

Gene: SDHB (succinate dehydrogenase complex iron sulfur subunit B; minus strand). Cytogenetic location: 1p36.13.
Variant type: single nucleotide variant.
Coding change: c.126T>G on transcript NM_003000.3 (MANE Select); coding-DNA position 126, T replaced by G.
Protein change: p.Phe42Leu; replaces phenylalanine 42 with leucine.
Molecular consequence: missense variant.
Genome position (GRCh38, 1-based): chr1:17,044,835, A>C on the plus strand (T>G on the coding strand, the complement: SDHB is on the minus strand). VCF-style: chr1-17044835-A-C. GRCh37 (hg19) VCF-style: chr1-17371330-A-C.
Other names: c.126T>G (NM_003000.2); short protein forms F42L.
Identifiers: ClinVar variation 1495656 (VCV001495656.11), dbSNP rs2101541516, ClinGen allele CA338228166.
Genomic context (GRCh38, chr1:17,044,835, plus strand): 5'-TTCATAAGTCTGCATATGAGGTTTGTCTCCAGCCTTGTCTGGGTCCCATCGATAGATGGC[A>C]AATTTCTTGATACGGGGAGCTGTGGCTGCAGCTGTCTGGGCTCCTCGGGAGGCCTGAAAT-3'
Protein context (NP_002991.2, residues 32-52): AAATAPRIKK[Phe42Leu]AIYRWDPDKA